The following is an entry in ClinVar:

ClinVar aggregate classification (germline): Benign/Likely benign. Review status: criteria provided, multiple submitters, no conflicts (2 of 4 stars). 3 submissions from 3 submitters: Benign (1); Likely benign (2). Last evaluated 2026-03-21.

Conditions:
Hereditary cancer-predisposing syndrome. Also called: Neoplastic Syndromes, Hereditary; Tumor predisposition; Hereditary Cancer Syndrome; Hereditary neoplastic syndrome. Identifiers: Orphanet 140162, MedGen C0027672, MeSH D009386, MONDO:0015356.
Familial cancer of breast. Also called: BREAST CANCER, FAMILIAL; Hereditary breast cancer; hereditary breast carcinoma. Identifiers: Orphanet 227535, MedGen C0346153, MONDO:0016419, OMIM 114480. Disease mechanism: loss of function.

Submissions (3):

Ambry Genetics
Classification: Likely benign for Hereditary cancer-predisposing syndrome. Last evaluated: 2026-03-21. Review status: criteria provided, single submitter. Criteria: Ambry Variant Classification Scheme 2023. Collection method: clinical testing. Allele origin: germline.

Labcorp Genetics (formerly Invitae), Labcorp
Classification: Likely benign for Familial cancer of breast. Last evaluated: 2025-06-11. Review status: criteria provided, single submitter. Criteria: Invitae Variant Classification Sherloc (09022015). Collection method: clinical testing. Allele origin: germline.

Myriad Genetics, Inc.
Classification: Benign for Familial cancer of breast. Last evaluated: 2024-07-23. Review status: criteria provided, single submitter. Criteria: Myriad Autosomal Dominant, Autosomal Recessive and X-Linked Classification Criteria (2023). Collection method: clinical testing. Allele origin: unknown.
Comment: This variant is considered benign. This variant is a silent/synonymous amino acid change and it is not expected to impact splicing.

NM_000465.4(BARD1):c.978T>C (p.Asn326=)

Gene: BARD1 (BRCA1 associated RING domain 1; minus strand). Cytogenetic location: 2q35.
Variant type: single nucleotide variant.
Coding change: c.978T>C on transcript NM_000465.4 (MANE Select); coding-DNA position 978, T replaced by C.
Protein change: p.Asn326=; no amino-acid change (asparagine 326 retained).
Molecular consequence: synonymous variant. On other transcripts: non-coding transcript variant (2), intron variant (3).
Genome position (GRCh38, 1-based): chr2:214,780,896, A>G on the plus strand (T>C on the coding strand, the complement: BARD1 is on the minus strand). VCF-style: chr2-214780896-A-G. GRCh37 (hg19) VCF-style: chr2-215645620-A-G.
Other names: c.978T>C (NM_000465.2); c.921T>C, p.Asn307= (NM_001282543.2); c.159-28341T>C (NM_001282548.2); c.215+16165T>C (NM_001282545.2); c.364+11401T>C (NM_001282549.2).
Identifiers: ClinVar variation 3378607 (VCV003378607.3).